The following is an entry in ClinVar:

ClinVar aggregate classification (germline): Uncertain significance. Review status: criteria provided, multiple submitters, no conflicts (2 of 4 stars). 2 submissions from 2 submitters: Uncertain significance (2). Last evaluated 2026-04-14.

Conditions:
Familial intrahepatic cholestasis. Identifiers: Orphanet 284385, MedGen CN296401, MONDO:0017290.
ABCB11-related disorder. Also called: ABCB11-related condition.

gnomAD v4.1: 20 of 1,612,196 alleles (0.0012%); highest among the groups gnomAD compares: African/African-American, 0.019%; no homozygotes.

Submissions (2):

Genomenon, Inc
Classification: Uncertain significance for Familial intrahepatic cholestasis. Last evaluated: 2026-04-14. Review status: criteria provided, single submitter. Criteria: Genomenon Sequence Variant Interpretation Standards - Updated. Collection method: curation. Allele origin: germline. Affected: no.
Comment: ABCB11 p.Ala459Val (c.1376C>T) is a missense variant that changes the amino acid at residue 459 from Alanine to Valine. This variant has been reported in the published literature (PMID:22795478). It is absent or not present at a significant frequency in gnomAD. In conclusion, we classify ABCB11 p.Ala459Val (c.1376C>T) as a variant of uncertain significance.

PreventionGenetics, part of Exact Sciences
Classification: Uncertain significance for ABCB11-related condition. Last evaluated: 2026-03-07. Review status: criteria provided, single submitter. Criteria: ACMG Guidelines, 2015. Collection method: clinical testing. Allele origin: germline.
Comment: The ABCB11 c.1376C>T variant is predicted to result in the amino acid substitution p.Ala459Val. To our knowledge, this variant has not been reported in the literature. This variant is reported in 0.039% of alleles in individuals of African descent in gnomAD. At this time, the clinical significance of this variant is uncertain due to the absence of conclusive functional and genetic evidence.

Literature cited by the submitters: PubMed 22795478 (cited by Genomenon, Inc).

NM_003742.4(ABCB11):c.1376C>T (p.Ala459Val)

Gene: ABCB11 (ATP binding cassette subfamily B member 11; minus strand). Cytogenetic location: 2q31.1.
Variant type: single nucleotide variant.
Coding change: c.1376C>T on transcript NM_003742.4 (MANE Select); coding-DNA position 1376, C replaced by T.
Protein change: p.Ala459Val; replaces alanine 459 with valine.
Molecular consequence: missense variant.
Genome position (GRCh38, 1-based): chr2:168,973,773, G>A on the plus strand (C>T on the coding strand, the complement: ABCB11 is on the minus strand). VCF-style: chr2-168973773-G-A. GRCh37 (hg19) VCF-style: chr2-169830283-G-A.
Other names: c.1376C>T (NM_003742.2); short protein forms A459V.
Identifiers: ClinVar variation 4845946 (VCV004845946.2).
Genomic context (GRCh38, chr2:168,973,773, plus strand): 5'-ACCATTCCTTCACAGGGGTCATAGAATCGCTGAATGAGTTGCAGTGCTGTACTTTTTCCA[G>A]CTCCACTGGGTCCTACCAGAGCTGTCATTTCCCCTGGTTTAATGACCATGTTGAGGTCAT-3'
Protein context (NP_003733.2, residues 449-469): EMTALVGPSG[Ala459Val]GKSTALQLIQ